The following is an entry in ClinVar:

ClinVar aggregate classification (germline): Uncertain significance (1 of 4 stars; one submission).

gnomAD v4.1: 4 of 1,614,172 alleles (0.00025%); highest among the groups gnomAD compares: Admixed American, 0.005%; no homozygotes.

Submission:

Labcorp Genetics (formerly Invitae), Labcorp
Classification: Uncertain significance. Last evaluated: 2024-09-29. Review status: criteria provided, single submitter. Criteria: Invitae Variant Classification Sherloc (09022015). Collection method: clinical testing. Allele origin: germline.
Comment: This sequence change replaces histidine, which is basic and polar, with glutamine, which is neutral and polar, at codon 1013 of the RNF31 protein (p.His1013Gln). This variant is present in population databases (rs568213187, gnomAD 0.009%). This variant has not been reported in the literature in individuals affected with RNF31-related conditions. An algorithm developed to predict the effect of missense changes on protein structure and function (PolyPhen-2) suggests that this variant is likely to be disruptive. In summary, the available evidence is currently insufficient to determine the role of this variant in disease. Therefore, it has been classified as a Variant of Uncertain Significance.

NM_017999.5(RNF31):c.3039C>A (p.His1013Gln)

Gene: RNF31 (ring finger protein 31; plus strand). Cytogenetic location: 14q12.
Variant type: single nucleotide variant.
Coding change: c.3039C>A on transcript NM_017999.5 (MANE Select); coding-DNA position 3039, C replaced by A.
Protein change: p.His1013Gln; replaces histidine 1013 with glutamine.
Molecular consequence: missense variant.
Genome position (GRCh38, 1-based): chr14:24,160,281, C>A. VCF-style: chr14-24160281-C-A. GRCh37 (hg19) VCF-style: chr14-24629490-C-A.
Other names: c.2586C>A, p.His862Gln (NM_001310332.2); short protein forms H862Q, H1013Q.
Identifiers: ClinVar variation 3688137 (VCV003688137.2).